The following is an entry in ClinVar:

ClinVar aggregate classification (germline): Uncertain significance (1 of 4 stars; one submission).

Conditions:
Glycogen storage disease, type IV (GSD4). Also called: Glycogen storage disease due to glycogen branching enzyme deficiency; AMYLOPECTINOSIS; ANDERSEN DISEASE; BRANCHER DEFICIENCY; CIRRHOSIS, FAMILIAL, WITH DEPOSITION OF ABNORMAL GLYCOGEN; GBE1 DEFICIENCY. Identifiers: Orphanet 367, MedGen C0017923, MONDO:0009292, OMIM 232500.

Submission:

Myriad Genetics, Inc.
Classification: Uncertain significance for Glycogen storage disease, type IV. Last evaluated: 2025-09-19. Review status: criteria provided, single submitter. Criteria: Myriad Autosomal Dominant, Autosomal Recessive and X-Linked Classification Criteria (2023). Collection method: clinical testing. Allele origin: unknown.
Comment: NM_000158.3(GBE1):c.1945G>T(V649L) is a missense variant classified as a variant of uncertain significance in the context of glycogen storage disease, GBE1-related. V649L has not been observed in cases with relevant disease. Relevant functional assessments of this variant are not available in the literature. V649L has not been observed in referenced population frequency databases. In summary, there is insufficient evidence to classify NM_000158.3(GBE1):c.1945G>T(V649L) as pathogenic or benign. Please note: this variant was assessed in the context of healthy population screening.

NM_000158.4(GBE1):c.1945G>T (p.Val649Leu)

Gene: GBE1 (1,4-alpha-glucan branching enzyme 1; minus strand). Cytogenetic location: 3p12.2.
Variant type: single nucleotide variant.
Coding change: c.1945G>T on transcript NM_000158.4 (MANE Select); coding-DNA position 1945, G replaced by T.
Protein change: p.Val649Leu; replaces valine 649 with leucine.
Molecular consequence: missense variant.
Genome position (GRCh38, 1-based): chr3:81,499,217, C>A on the plus strand (G>T on the coding strand, the complement: GBE1 is on the minus strand). VCF-style: chr3-81499217-C-A. GRCh37 (hg19) VCF-style: chr3-81548368-C-A.
Other names: short protein forms V649L.
Identifiers: ClinVar variation 5003811 (VCV005003811.1).